The following is an entry in ClinVar:

NM_033109.5(PNPT1):c.134G>C (p.Arg45Pro)

Genes: PNPT1 (polyribonucleotide nucleotidyltransferase 1; minus strand), LOC129933770 (ATAC-STARR-seq lymphoblastoid active region 15785; plus strand). Cytogenetic location: 2p16.1.
Variant type: single nucleotide variant.
Coding change: c.134G>C on transcript NM_033109.5 (MANE Select); coding-DNA position 134, G replaced by C.
Protein change: p.Arg45Pro; replaces arginine 45 with proline.
Molecular consequence: missense variant.
Genome position (GRCh38, 1-based): chr2:55,693,690, C>G on the plus strand (G>C on the coding strand, the complement: PNPT1 is on the minus strand). VCF-style: chr2-55693690-C-G. GRCh37 (hg19) VCF-style: chr2-55920825-C-G.
Other names: short protein forms R45P.
Identifiers: ClinVar variation 1700956 (VCV001700956.4), dbSNP rs368157520, ClinGen allele CA346945824.
Genomic context (GRCh38, chr2:55,693,690, plus strand): 5'-ATGACAATACAGTGAACGCACGTCACTCCTTACCTGTTGCCTAAGTCCACGGCCACAGCT[C>G]GAGACCCTGCGCTACTCCATAGTGCTCGCACTTGCAACTGGGTGAGTGCCCGATCCCGCC-3'
Protein context (NP_149100.2, residues 35-55): VRALWSSAGS[Arg45Pro]AVAVDLGNRK

ClinVar aggregate classification (germline): Uncertain significance. Review status: criteria provided, multiple submitters, no conflicts (2 of 4 stars). 2 submissions from 2 submitters: Uncertain significance (2). Last evaluated 2022-10-13.

Allele frequency attached by ClinVar (database versions not stated): gnomAD exomes 0.00001.

Submissions (2):

Labcorp Genetics (formerly Invitae), Labcorp
Classification: Uncertain significance. Last evaluated: 2022-10-13. Review status: criteria provided, single submitter. Criteria: Invitae Variant Classification Sherloc (09022015). Collection method: clinical testing. Allele origin: germline.
Comment: This sequence change replaces arginine, which is basic and polar, with proline, which is neutral and non-polar, at codon 45 of the PNPT1 protein (p.Arg45Pro). This variant is not present in population databases (gnomAD no frequency). This variant has not been reported in the literature in individuals affected with PNPT1-related conditions. ClinVar contains an entry for this variant (Variation ID: 1700956). Algorithms developed to predict the effect of missense changes on protein structure and function (SIFT, PolyPhen-2, Align-GVGD) all suggest that this variant is likely to be tolerated. In summary, the available evidence is currently insufficient to determine the role of this variant in disease. Therefore, it has been classified as a Variant of Uncertain Significance.

GeneDx
Classification: Uncertain significance. Last evaluated: 2022-02-14. Review status: criteria provided, single submitter. Criteria: GeneDx Variant Classification Process June 2021. Collection method: clinical testing. Allele origin: germline. Affected: yes.
Comment: Not observed at significant frequency in large population cohorts (gnomAD); In silico analysis supports that this missense variant does not alter protein structure/function; Has not been previously published as pathogenic or benign to our knowledge